The following is an entry in ClinVar:

NM_021076.4(NEFH):c.2050G>A (p.Val684Met)

Gene: NEFH (neurofilament heavy chain; plus strand). Cytogenetic location: 22q12.2.
Variant type: single nucleotide variant.
Coding change: c.2050G>A on transcript NM_021076.4 (MANE Select); coding-DNA position 2050, G replaced by A.
Protein change: p.Val684Met; replaces valine 684 with methionine.
Molecular consequence: missense variant.
Genome position (GRCh38, 1-based): chr22:29,489,690, G>A. VCF-style: chr22-29489690-G-A. GRCh37 (hg19) VCF-style: chr22-29885679-G-A.
Other names: short protein forms V684M.
Identifiers: ClinVar variation 3688514 (VCV003688514.2).

ClinVar aggregate classification (germline): Uncertain significance (1 of 4 stars; one submission).

gnomAD v4.1: 1 of 1,609,386 alleles (0.000062%); highest among the groups gnomAD compares: South Asian, 0.0011%; no homozygotes.

Submission:

Labcorp Genetics (formerly Invitae), Labcorp
Classification: Uncertain significance. Last evaluated: 2025-02-06. Review status: criteria provided, single submitter. Criteria: Invitae Variant Classification Sherloc (09022015). Collection method: clinical testing. Allele origin: germline.
Comment: This sequence change replaces valine, which is neutral and non-polar, with methionine, which is neutral and non-polar, at codon 684 of the NEFH protein (p.Val684Met). This variant is not present in population databases (gnomAD no frequency). This variant has not been reported in the literature in individuals affected with NEFH-related conditions. Invitae Evidence Modeling of protein sequence and biophysical properties (such as structural, functional, and spatial information, amino acid conservation, physicochemical variation, residue mobility, and thermodynamic stability) indicates that this missense variant is not expected to disrupt NEFH protein function with a negative predictive value of 95%. In summary, the available evidence is currently insufficient to determine the role of this variant in disease. Therefore, it has been classified as a Variant of Uncertain Significance.